The following is an entry in ClinVar:

NM_001374828.1(ARID1B):c.367T>C (p.Ser123Pro)

Genes: ARID1B (AT-rich interaction domain 1B; plus strand), LOC115308161 (uncharacterized LOC115308161; minus strand). Cytogenetic location: 6q25.3.
Variant type: single nucleotide variant.
Coding change: c.367T>C on transcript NM_001374828.1 (MANE Select); coding-DNA position 367, T replaced by C.
Protein change: p.Ser123Pro; replaces serine 123 with proline.
Molecular consequence: missense variant.
Genome position (GRCh38, 1-based): chr6:156,778,047, T>C. VCF-style: chr6-156778047-T-C. GRCh37 (hg19) VCF-style: chr6-157099181-T-C.
Other names: c.367T>C, p.Ser123Pro (NM_001371656.1, NM_001374820.1, NM_001438482.1 and 9 more transcripts); short protein forms S123P.
Identifiers: ClinVar variation 4881176 (VCV004881176.2).
Genomic context (GRCh38, chr6:156,778,047, plus strand): 5'-GGCTCCGAGGCGGCTCTCAAGGAGGGTGGAAGCGCCGCCGCGCTGTCCTCCTCCTCCTCC[T>C]CCTCCGCGGCGGCAGCGGCGGCATCCTCTTCCTCCTCGTCGGGCCCGGGCTCGGCCATGG-3'
Protein context (NP_001361757.1, residues 113-133): SAAALSSSSS[Ser123Pro]SAAAAAASSS

ClinVar aggregate classification (germline): Uncertain significance (1 of 4 stars; one submission).

Conditions:
Coffin-Siris syndrome 1 (CSS1). Also called: ARID1B-Related Coffin-Siris Syndrome; Mental retardation, autosomal dominant 12. Identifiers: Orphanet 1465, MedGen C3281201, MONDO:0007617, OMIM 135900. Disease mechanism: gain of function.

gnomAD v4.1: 1 of 1,529,778 alleles (0.000065%); highest among the groups gnomAD compares: South Asian, 0.0012%; no homozygotes.

Submission:

Dasa
Classification: Uncertain significance for Coffin-Siris syndrome 1. Last evaluated: 2025-02-28. Review status: criteria provided, single submitter. Criteria: DASA Assertion Criteria. Collection method: clinical testing. Allele origin: germline.
Comment: NM_001374828.1(ARID1B):c.367T>C (p.Ser123Pro) is a missense variant that results in the substitution of serine with proline. This variant is rare in population databases. Computational prediction algorithms are consistent with a benign effect. The currently available literature and clinical evidence are not sufficient to establish a definitive association between this variant and the reported condition. Therefore, this variant is classified as a variant of uncertain significance.